The following is an entry in ClinVar:

ClinVar aggregate classification (germline): Uncertain significance (1 of 4 stars; one submission).

Conditions:
Cohen syndrome (COH1). Also called: PEPPER SYNDROME; Cutis verticis gyrata, retinitis pigmentosa, and sensorineural deafness. Identifiers: Orphanet 193, MedGen C0265223, MONDO:0008999, OMIM 216550.

Submission:

Labcorp Genetics (formerly Invitae), Labcorp
Classification: Uncertain significance for Cohen syndrome. Last evaluated: 2019-07-15. Review status: criteria provided, single submitter. Criteria: Invitae Variant Classification Sherloc (09022015). Collection method: clinical testing. Allele origin: germline.
Comment: This sequence change replaces glutamic acid with lysine at codon 3382 of the VPS13B protein (p.Glu3382Lys). The glutamic acid residue is moderately conserved and there is a small physicochemical difference between glutamic acid and lysine. This variant is not present in population databases (ExAC no frequency). This variant has not been reported in the literature in individuals with VPS13B-related disease. Algorithms developed to predict the effect of missense changes on protein structure and function (SIFT, PolyPhen-2, Align-GVGD) all suggest that this variant is likely to be tolerated, but these predictions have not been confirmed by published functional studies and their clinical significance is uncertain. In summary, the available evidence is currently insufficient to determine the role of this variant in disease. Therefore, it has been classified as a Variant of Uncertain Significance.

NM_152564.5(VPS13B):c.10069G>A (p.Glu3357Lys)

Gene: VPS13B (vacuolar protein sorting 13 homolog B; plus strand). Cytogenetic location: 8q22.2.
Variant type: single nucleotide variant.
Coding change: c.10069G>A on transcript NM_152564.5 (MANE Select); coding-DNA position 10069, G replaced by A.
Protein change: p.Glu3357Lys; replaces glutamic acid 3357 with lysine.
Molecular consequence: missense variant.
Genome position (GRCh38, 1-based): chr8:99,853,458, G>A. VCF-style: chr8-99853458-G-A. GRCh37 (hg19) VCF-style: chr8-100865686-G-A.
Other names: c.10144G>A, p.Glu3382Lys (NM_017890.5); short protein forms E3357K, E3382K.
Identifiers: ClinVar variation 569516 (VCV000569516.9), dbSNP rs1563509434, ClinGen allele CA371780716.